The following is an entry in ClinVar:

ClinVar aggregate classification (germline): Uncertain significance. Review status: criteria provided, multiple submitters, no conflicts (2 of 4 stars). 2 submissions from 2 submitters: Uncertain significance (2). Last evaluated 2024-12-19.

Conditions:
Fanconi anemia (FA). Also called: Fanconi's anemia. Identifiers: Orphanet 84, MedGen C0015625, MeSH D005199, MONDO:0019391.
Inborn genetic diseases. Identifiers: MedGen C0950123, MeSH D030342.

Allele frequency attached by ClinVar (database versions not stated): TOPMed below 0.00001; gnomAD exomes 0.00001.
gnomAD v4.1: 15 of 1,610,974 alleles (0.00093%); highest among the groups gnomAD compares: Non-Finnish European, 0.0013%; no homozygotes.

Submissions (2):

Ambry Genetics
Classification: Uncertain significance for Inborn genetic diseases. Last evaluated: 2024-12-19. Review status: criteria provided, single submitter. Criteria: Ambry Variant Classification Scheme 2023. Collection method: clinical testing. Allele origin: germline.
Comment: The p.K612E variant (also known as c.1834A>G), located in coding exon 21 of the FANCA gene, results from an A to G substitution at nucleotide position 1834. The lysine at codon 612 is replaced by glutamic acid, an amino acid with similar properties. This amino acid position is conserved. In addition, this alteration is predicted to be deleterious by in silico analysis. Based on the available evidence, the clinical significance of this variant remains unclear.

Labcorp Genetics (formerly Invitae), Labcorp
Classification: Uncertain significance for Fanconi anemia. Last evaluated: 2021-07-27. Review status: criteria provided, single submitter. Criteria: Invitae Variant Classification Sherloc (09022015). Collection method: clinical testing. Allele origin: germline.
Comment: This variant has not been reported in the literature in individuals with FANCA-related conditions. This variant is not present in population databases (ExAC no frequency). This sequence change replaces lysine with glutamic acid at codon 612 of the FANCA protein (p.Lys612Glu). The lysine residue is highly conserved and there is a small physicochemical difference between lysine and glutamic acid. Algorithms developed to predict the effect of missense changes on protein structure and function are either unavailable or do not agree on the potential impact of this missense change (SIFT: "Deleterious"; PolyPhen-2: "Benign"; Align-GVGD: "Class C0"). In summary, the available evidence is currently insufficient to determine the role of this variant in disease. Therefore, it has been classified as a Variant of Uncertain Significance.

NM_000135.4(FANCA):c.1834A>G (p.Lys612Glu)

Gene: FANCA (FA complementation group A; minus strand). Cytogenetic location: 16q24.3.
Variant type: single nucleotide variant.
Coding change: c.1834A>G on transcript NM_000135.4 (MANE Select); coding-DNA position 1834, A replaced by G.
Protein change: p.Lys612Glu; replaces lysine 612 with glutamic acid.
Molecular consequence: missense variant.
Genome position (GRCh38, 1-based): chr16:89,775,808, T>C on the plus strand (A>G on the coding strand, the complement: FANCA is on the minus strand). VCF-style: chr16-89775808-T-C. GRCh37 (hg19) VCF-style: chr16-89842216-T-C.
Other names: c.1834A>G, p.Lys612Glu (NM_001286167.3); c.1834A>G (NM_000135.2); short protein forms K612E.
Identifiers: ClinVar variation 1518699 (VCV001518699.9), dbSNP rs1433333223, ClinGen allele CA397452151.
Genomic context (GRCh38, chr16:89,775,808, plus strand): 5'-GCTTCTCTTCAGCAGCAGAGCAGGCCTGGCAGTAGGTGGAGTACAGAGATGGGGGGATTT[T>C]ATCTGCTCTGGATCACAGGAAAACAATACAATTAAGTCAGCTATGGCTTAAATTAATTCA-3'
Protein context (NP_000126.2, residues 602-622): AFIESLKRAD[Lys612Glu]IPPSLYSTYC